The following is an entry in ClinVar:

ClinVar aggregate classification (germline): Likely benign (1 of 4 stars; one submission).

Submission:

CeGaT Center for Human Genetics Tuebingen
Classification: Likely benign. Last evaluated: 2024-09-01. Review status: criteria provided, single submitter. Criteria: CeGaT Center For Human Genetics Tuebingen Variant Classification Criteria Version 2. Collection method: clinical testing. Allele origin: germline. Affected: yes. Observed: 1 variant allele.
Comment: KMT2C: PM2:Supporting, BP4, BP7

NM_170606.3(KMT2C):c.11598G>A (p.Lys3866=)

Gene: KMT2C (lysine methyltransferase 2C; minus strand). Cytogenetic location: 7q36.1.
Variant type: single nucleotide variant.
Coding change: c.11598G>A on transcript NM_170606.3 (MANE Select); coding-DNA position 11598, G replaced by A.
Protein change: p.Lys3866=; no amino-acid change (lysine 3866 retained).
Molecular consequence: synonymous variant.
Genome position (GRCh38, 1-based): chr7:152,158,935, C>T on the plus strand (G>A on the coding strand, the complement: KMT2C is on the minus strand). VCF-style: chr7-152158935-C-T. GRCh37 (hg19) VCF-style: chr7-151856020-C-T.
Identifiers: ClinVar variation 3389607 (VCV003389607.14).
Genomic context (GRCh38, chr7:152,158,935, plus strand): 5'-GGTAAACGTGTCAGTGCTAGAGTACATAGCTTGTTTCTCCTCTTCGTCCTTTTTCCTTTT[C>T]TTTGAGCGAGGTGCTGCTTTCTCACCCGTCCTCTGAGTCCGTTTGCTTCGCTGTTTCTTG-3'
Protein context (NP_733751.2, residues 3856-3876): RTGEKAAPRS[Lys3866=]KRKKDEEEKQ